The following is an entry in ClinVar:

NM_018180.3(DHX32):c.1288G>C (p.Val430Leu)

Genes: BCCIP (BRCA2 and CDKN1A interacting protein; plus strand), DHX32 (DEAH-box helicase 32 (putative); minus strand). Cytogenetic location: 10q26.2.
Variant type: single nucleotide variant.
Coding change: c.1288G>C on transcript NM_018180.3 (MANE Select); coding-DNA position 1288, G replaced by C.
Protein change: p.Val430Leu; replaces valine 430 with leucine.
Molecular consequence: missense variant. On other transcripts: intron variant (1).
Genome position (GRCh38, 1-based): chr10:125,852,356, C>G on the plus strand (G>C on the coding strand, the complement: DHX32 is on the minus strand). VCF-style: chr10-125852356-C-G. GRCh37 (hg19) VCF-style: chr10-127540925-C-G.
Other names: c.851-769C>G (NM_016567.4); short protein forms V430L.
Identifiers: ClinVar variation 1348164 (VCV001348164.6), dbSNP rs17153669, ClinGen allele CA5739228.
Genomic context (GRCh38, chr10:125,852,356, plus strand): 5'-GTCTGTTCATGAAGTCACAGTGGCCTAGGCCCGCAATGTCTATCCTCTTCATAAAAAGCA[C>G]CATGCTTGTTAGGTTGGCTTCCTGCATTTCTGCTGGCTTCAGTGGCGTCATGTCTTTGGA-3'
Protein context (NP_060650.2, residues 420-440): EMQEANLTSM[Val430Leu]LFMKRIDIAG

ClinVar aggregate classification (germline): Uncertain significance (1 of 4 stars; one submission).

Allele frequency attached by ClinVar (database versions not stated): ESP Exome Variant Server 0.00023; TOPMed 0.00008; gnomAD 0.00007; ExAC 0.00012.
gnomAD v4.1: 239 of 1,614,078 alleles (0.015%); highest among the groups gnomAD compares: Non-Finnish European, 0.02%; no homozygotes.

Submission:

Labcorp Genetics (formerly Invitae), Labcorp
Classification: Uncertain significance. Last evaluated: 2025-12-11. Review status: criteria provided, single submitter. Criteria: Invitae Variant Classification Sherloc (09022015). Collection method: clinical testing. Allele origin: germline.
Comment: This sequence change replaces valine, which is neutral and non-polar, with leucine, which is neutral and non-polar, at codon 430 of the DHX32 protein (p.Val430Leu). This variant is present in population databases (rs17153669, gnomAD 0.02%). This variant has not been reported in the literature in individuals affected with DHX32-related conditions. ClinVar contains an entry for this variant (Variation ID: 1348164). An algorithm developed to predict the effect of missense changes on protein structure and function (PolyPhen-2) suggests that this variant is likely to be disruptive. In summary, the available evidence is currently insufficient to determine the role of this variant in disease. Therefore, it has been classified as a Variant of Uncertain Significance.